The following is an entry in ClinVar:

NM_000255.4(MMUT):c.1540C>A (p.Gln514Lys)

Gene: MMUT (methylmalonyl-CoA mutase; minus strand). Cytogenetic location: 6p12.3.
Variant type: single nucleotide variant.
Coding change: c.1540C>A on transcript NM_000255.4 (MANE Select); coding-DNA position 1540, C replaced by A.
Protein change: p.Gln514Lys; replaces glutamine 514 with lysine.
Molecular consequence: missense variant.
Genome position (GRCh38, 1-based): chr6:49,447,690, G>T on the plus strand (C>A on the coding strand, the complement: MMUT is on the minus strand). VCF-style: chr6-49447690-G-T. GRCh37 (hg19) VCF-style: chr6-49415403-G-T.
Other names: short protein forms Q514K.
Identifiers: ClinVar variation 1068338 (VCV001068338.9), dbSNP rs2127416800, ClinGen allele CA364397122.
Genomic context (GRCh38, chr6:49,447,690, plus strand): 5'-AAAATACTTAAAAAAAAAAAAAAAAGCAAGCTATTAATACCTTCTTAAGTTTTTCAATCT[G>T]CCTGTTTCGCACTGAAGTATTATCAATTGCCAGAACTTCTACAGCGTCTTCTTTTTCCAA-3'
Protein context (NP_000246.2, residues 504-524): AIDNTSVRNR[Gln514Lys]IEKLKKIKSS

ClinVar aggregate classification (germline): Pathogenic (1 of 4 stars; one submission).

Submission:

Labcorp Genetics (formerly Invitae), Labcorp
Classification: Pathogenic. Last evaluated: 2023-03-01. Review status: criteria provided, single submitter. Criteria: Invitae Variant Classification Sherloc (09022015). Collection method: clinical testing. Allele origin: germline.
Comment: ClinVar contains an entry for this variant (Variation ID: 1068338). Advanced modeling of protein sequence and biophysical properties (such as structural, functional, and spatial information, amino acid conservation, physicochemical variation, residue mobility, and thermodynamic stability) performed at Invitae indicates that this missense variant is expected to disrupt MUT protein function. Experimental studies have shown that this missense change affects MUT function (PMID: 28101778). For these reasons, this variant has been classified as Pathogenic. This missense change has been observed in individual(s) with methylmalonic aciduria (PMID: 26454439). In at least one individual the data is consistent with being in trans (on the opposite chromosome) from a pathogenic variant. This sequence change replaces glutamine, which is neutral and polar, with lysine, which is basic and polar, at codon 514 of the MUT protein (p.Gln514Lys). This variant is not present in population databases (gnomAD no frequency).

Literature cited by the submitters: PubMed 28101778; PubMed 26454439.